The following is an entry in ClinVar:

NM_152383.5(DIS3L2):c.2450C>G (p.Thr817Arg)

Gene: DIS3L2 (DIS3 like 3'-5' exoribonuclease 2; plus strand). Cytogenetic location: 2q37.1.
Variant type: single nucleotide variant.
Coding change: c.2450C>G on transcript NM_152383.5 (MANE Select); coding-DNA position 2450, C replaced by G.
Protein change: p.Thr817Arg; replaces threonine 817 with arginine.
Molecular consequence: missense variant. On other transcripts: non-coding transcript variant (2), intron variant (1).
Genome position (GRCh38, 1-based): chr2:232,335,828, C>G. VCF-style: chr2-232335828-C-G. GRCh37 (hg19) VCF-style: chr2-233200538-C-G.
Other names: c.1582-7517C>G (NM_001257281.2); short protein forms T817R.
Identifiers: ClinVar variation 1004822 (VCV001004822.7), dbSNP rs376816858, ClinGen allele CA2164550.

ClinVar aggregate classification (germline): Uncertain significance. Review status: criteria provided, multiple submitters, no conflicts (2 of 4 stars). 2 submissions from 2 submitters: Uncertain significance (2). Last evaluated 2025-10-06.

Conditions:
Perlman syndrome (PRLMNS). Identifiers: Orphanet 2849, MedGen C0796113, MONDO:0009965, OMIM 267000.

gnomAD v4.1: 8 of 1,550,920 alleles (0.00052%); highest among the groups gnomAD compares: Middle Eastern, 0.034%; no homozygotes.

Submissions (2):

Labcorp Genetics (formerly Invitae), Labcorp
Classification: Uncertain significance for Perlman syndrome. Last evaluated: 2025-10-06. Review status: criteria provided, single submitter. Criteria: Invitae Variant Classification Sherloc (09022015). Collection method: clinical testing. Allele origin: germline.
Comment: This sequence change replaces threonine, which is neutral and polar, with arginine, which is basic and polar, at codon 817 of the DIS3L2 protein (p.Thr817Arg). This variant is present in population databases (rs376816858, gnomAD 0.002%). This variant has not been reported in the literature in individuals affected with DIS3L2-related conditions. ClinVar contains an entry for this variant (Variation ID: 1004822). An algorithm developed to predict the effect of missense changes on protein structure and function (PolyPhen-2) suggests that this variant is likely to be disruptive. In summary, the available evidence is currently insufficient to determine the role of this variant in disease. Therefore, it has been classified as a Variant of Uncertain Significance.

Fulgent Genetics
Classification: Uncertain significance for Perlman syndrome. Last evaluated: 2024-01-24. Review status: criteria provided, single submitter. Criteria: ACMG Guidelines, 2015. Collection method: clinical testing. Allele origin: germline.